The following is an entry in ClinVar:

NC_000023.10:g.(?_10417408)_(10423137_?)del

Gene: MID1 (midline 1; minus strand). Cytogenetic location: Xp22.2.
Variant type: Deletion.
Identifiers: ClinVar variation 2422985 (VCV002422985.4).

ClinVar aggregate classification (germline): Pathogenic (1 of 4 stars; one submission).

Submission:

Labcorp Genetics (formerly Invitae), Labcorp
Classification: Pathogenic. Last evaluated: 2022-09-24. Review status: criteria provided, single submitter. Criteria: Invitae Variant Classification Sherloc (09022015). Collection method: clinical testing. Allele origin: germline.
Comment: For these reasons, this variant has been classified as Pathogenic. This variant disrupts a region of the MID1 protein in which other variant(s) (p.His600Profs*12) have been determined to be pathogenic (PMID: 32926417; Invitae). This suggests that this is a clinically significant region of the protein, and that variants that disrupt it are likely to be disease-causing. A similar copy number variant has been observed in individual(s) with clinical features of Opitz GBBB syndrome (Invitae). This variant is a gross deletion of the genomic region encompassing exon(s) 9-10 of the MID1 gene, which includes the termination codon. This deletion extends beyond the assayed region for this gene and therefore may encompass additional genes. While this deletion is not anticipated to lead to nonsense mediated decay, it is expected to alter mRNA translation or result in a truncated protein product.

Literature cited by the submitters: PubMed 32926417.